The following is an entry in ClinVar:

ClinVar aggregate classification (germline): Uncertain significance (1 of 4 stars; one submission).

Conditions:
Acute myeloid leukemia (AML). Also called: Acute myeloid leukemia, adult; AML adult; Acute non-lymphocytic leukemia; Acute granulocytic leukemia; Leukemia, acute myelogenous, somatic; Leukemia, acute myeloid, somatic. Identifiers: Orphanet 519, MedGen C0023467, MeSH D015470, MONDO:0018874, OMIM 601626, HP:0004808. Disease mechanism: Constitutively activated FLT3.

Allele frequency attached by ClinVar (database versions not stated): gnomAD exomes 0.00001.

Submission:

Labcorp Genetics (formerly Invitae), Labcorp
Classification: Uncertain significance for Acute myeloid leukemia. Last evaluated: 2020-09-09. Review status: criteria provided, single submitter. Criteria: Invitae Variant Classification Sherloc (09022015). Collection method: clinical testing. Allele origin: germline.
Comment: In summary, the available evidence is currently insufficient to determine the role of this variant in disease. Therefore, it has been classified as a Variant of Uncertain Significance. This sequence change replaces leucine with proline at codon 178 of the CEBPA protein (p.Leu178Pro). The leucine residue is moderately conserved and there is a moderate physicochemical difference between leucine and proline. The frequency data for this variant in the population databases is considered unreliable, as metrics indicate insufficient coverage at this position in the ExAC database. This variant has not been reported in the literature in individuals with CEBPA-related conditions. Algorithms developed to predict the effect of missense changes on protein structure and function are either unavailable or do not agree on the potential impact of this missense change (SIFT: "Deleterious"; PolyPhen-2: "Possibly Damaging"; Align-GVGD: "Class C0").

NM_004364.5(CEBPA):c.533T>C (p.Leu178Pro)

Gene: CEBPA (CCAAT enhancer binding protein alpha; minus strand). Cytogenetic location: 19q13.11.
Variant type: single nucleotide variant.
Coding change: c.533T>C on transcript NM_004364.5 (MANE Select); coding-DNA position 533, T replaced by C.
Protein change: p.Leu178Pro; replaces leucine 178 with proline.
Molecular consequence: missense variant.
Genome position (GRCh38, 1-based): chr19:33,301,882, A>G on the plus strand (T>C on the coding strand, the complement: CEBPA is on the minus strand). VCF-style: chr19-33301882-A-G. GRCh37 (hg19) VCF-style: chr19-33792788-A-G.
Other names: c.491T>C, p.Leu164Pro (NM_001287435.2); c.176T>C, p.Leu59Pro (NM_001285829.2); c.638T>C, p.Leu213Pro (NM_001287424.2); short protein forms L164P, L178P, L213P, L59P.
Identifiers: ClinVar variation 1000704 (VCV001000704.9), dbSNP rs1967180974, ClinGen allele CA405274748.